The following is an entry in ClinVar:

NM_004655.4(AXIN2):c.370G>T (p.Asp124Tyr)

Gene: AXIN2 (axin 2; minus strand). Cytogenetic location: 17q24.1.
Variant type: single nucleotide variant.
Coding change: c.370G>T on transcript NM_004655.4 (MANE Select); coding-DNA position 370, G replaced by T.
Protein change: p.Asp124Tyr; replaces aspartic acid 124 with tyrosine.
Molecular consequence: missense variant.
Genome position (GRCh38, 1-based): chr17:65,558,251, C>A on the plus strand (G>T on the coding strand, the complement: AXIN2 is on the minus strand). VCF-style: chr17-65558251-C-A. GRCh37 (hg19) VCF-style: chr17-63554369-C-A.
Other names: c.370G>T, p.Asp124Tyr (NM_001363813.1); short protein forms D124Y.
Identifiers: ClinVar variation 963102 (VCV000963102.6), dbSNP rs755990979, ClinGen allele CA400681540.

ClinVar aggregate classification (germline): Uncertain significance (1 of 4 stars; one submission).

Conditions:
Oligodontia-cancer predisposition syndrome. Also called: TOOTH AGENESIS-COLORECTAL CANCER SYNDROME. Identifiers: Orphanet 300576, MedGen C1837750, MONDO:0012075, OMIM 608615. Disease mechanism: loss of function.

Submission:

Labcorp Genetics (formerly Invitae), Labcorp
Classification: Uncertain significance for Oligodontia-cancer predisposition syndrome. Last evaluated: 2022-05-24. Review status: criteria provided, single submitter. Criteria: Invitae Variant Classification Sherloc (09022015). Collection method: clinical testing. Allele origin: germline.
Comment: In summary, the available evidence is currently insufficient to determine the role of this variant in disease. Therefore, it has been classified as a Variant of Uncertain Significance. Algorithms developed to predict the effect of missense changes on protein structure and function are either unavailable or do not agree on the potential impact of this missense change (SIFT: "Deleterious"; PolyPhen-2: "Probably Damaging"; Align-GVGD: "Class C15"). ClinVar contains an entry for this variant (Variation ID: 963102). This variant has not been reported in the literature in individuals affected with AXIN2-related conditions. This variant is not present in population databases (gnomAD no frequency). This sequence change replaces aspartic acid, which is acidic and polar, with tyrosine, which is neutral and polar, at codon 124 of the AXIN2 protein (p.Asp124Tyr).